The following is an entry in ClinVar:

NM_004369.4(COL6A3):c.6309+1G>C

Genes: COL6A3 (collagen type VI alpha 3 chain; minus strand), LOC122889011 (Sharpr-MPRA regulatory region 1020; plus strand). Cytogenetic location: 2q37.3.
Variant type: single nucleotide variant.
Coding change: c.6309+1G>C on transcript NM_004369.4 (MANE Select); the canonical splice donor site of the intron after coding-DNA position 6309, G replaced by C.
Molecular consequence: splice donor variant.
Genome position (GRCh38, 1-based): chr2:237,359,361, C>G on the plus strand (G>C on the coding strand, the complement: COL6A3 is on the minus strand). VCF-style: chr2-237359361-C-G. GRCh37 (hg19) VCF-style: chr2-238268004-C-G.
Other names: c.4488+1G>C (NM_057166.5); c.5691+1G>C (NM_057167.4).
Identifiers: ClinVar variation 1523665 (VCV001523665.8), dbSNP rs886043919, ClinGen allele CA351216218.

ClinVar aggregate classification (germline): Likely pathogenic (1 of 4 stars; one submission).

Conditions:
Bethlem myopathy 1A. Also called: MYOPATHY, BENIGN CONGENITAL, WITH CONTRACTURES; Bethlem myopathy 1; Bethlem Muscular Dystrophy. Identifiers: Orphanet 610, MedGen CN029274, MONDO:0024530, OMIM 158810.

Submission:

Labcorp Genetics (formerly Invitae), Labcorp
Classification: Likely pathogenic for Bethlem myopathy 1A. Last evaluated: 2021-02-28. Review status: criteria provided, single submitter. Criteria: Invitae Variant Classification Sherloc (09022015). Collection method: clinical testing. Allele origin: germline.
Comment: This sequence change affects a donor splice site in intron 18 of the COL6A3 gene. It is expected to disrupt RNA splicing. Variants that disrupt the donor or acceptor splice site typically lead to a loss of protein function (PMID: 16199547), and loss-of-function variants in COL6A3 are known to be disease-causing for autosomal recessive COL6A3 conditions (PMID: 21280092, 20976770). However, certain variants affecting donor or acceptor splice sites in the triple helical domain of COL6A3 are expected to result in in-frame exon skipping and have been reported to cause autosomal dominant COL6A3-related conditions (PMID: 18366090). In summary, the currently available evidence indicates that the variant is pathogenic, but additional data are needed to prove that conclusively. Therefore, this variant has been classified as Likely Pathogenic. Algorithms developed to predict the effect of sequence changes on RNA splicing suggest that this variant may disrupt the consensus splice site, but this prediction has not been confirmed by published transcriptional studies. Disruption of this splice site has been observed in individual(s) with clinical features of autosomal dominant COL6A3-related myopathy (PMID: 20976770, Invitae). In at least one individual the variant was observed to be de novo. This variant is not present in population databases (ExAC no frequency).

Literature cited by the submitters: PubMed 16199547; PubMed 21280092; PubMed 20976770; PubMed 18366090.